The following is an entry in ClinVar:

ClinVar aggregate classification (germline): Uncertain significance (1 of 4 stars; one submission).

Conditions:
Cardiovascular phenotype. Identifiers: MedGen CN230736.

gnomAD v4.1: 14 of 1,606,918 alleles (0.00087%); highest among the groups gnomAD compares: Non-Finnish European, 0.0012%; no homozygotes.

Submission:

Ambry Genetics
Classification: Uncertain significance for Cardiovascular phenotype. Last evaluated: 2026-03-11. Review status: criteria provided, single submitter. Criteria: Ambry Variant Classification Scheme 2023. Collection method: clinical testing. Allele origin: germline.
Comment: The p.A130V variant (also known as c.389C>T), located in coding exon 4 of the TBX5 gene, results from a C to T substitution at nucleotide position 389. The alanine at codon 130 is replaced by valine, an amino acid with similar properties. This amino acid position is highly conserved in available vertebrate species. In addition, the in silico prediction for this alteration is inconclusive. Based on the available evidence, the clinical significance of this variant remains unclear.

NM_181486.4(TBX5):c.389C>T (p.Ala130Val)

Gene: TBX5 (T-box transcription factor 5; minus strand). Cytogenetic location: 12q24.21.
Variant type: single nucleotide variant.
Coding change: c.389C>T on transcript NM_181486.4 (MANE Select); coding-DNA position 389, C replaced by T.
Protein change: p.Ala130Val; replaces alanine 130 with valine.
Molecular consequence: missense variant.
Genome position (GRCh38, 1-based): chr12:114,398,694, G>A on the plus strand (C>T on the coding strand, the complement: TBX5 is on the minus strand). VCF-style: chr12-114398694-G-A. GRCh37 (hg19) VCF-style: chr12-114836499-G-A.
Other names: c.389C>T, p.Ala130Val (NM_000192.3); c.239C>T, p.Ala80Val (NM_080717.4); short protein forms A130V, A80V.
Identifiers: ClinVar variation 4842575 (VCV004842575.1).